The following is an entry in ClinVar:

NM_001271.4(CHD2):c.3156dup (p.Lys1053fs)

Gene: CHD2 (chromodomain helicase DNA binding protein 2; plus strand). Cytogenetic location: 15q26.1.
Variant type: Duplication.
Coding change: c.3156dup on transcript NM_001271.4 (MANE Select); coding-DNA position 3156, one base duplicated (G; older notation c.3156dupG).
Protein change: p.Lys1053fs; shifts the reading frame from lysine 1053.
Molecular consequence: frameshift variant.
Genome position (GRCh38, 1-based): chr15:92,984,419, G duplicated; the last of 2 consecutive G bases (chr15:92,984,418-92,984,419); duplicating either gives the same sequence. VCF-style (leftmost placement, unchanged base first): chr15-92984417-A-AG. GRCh37 (hg19) VCF-style: chr15-93527647-A-AG.
Other names: short protein forms K1053fs.
Identifiers: ClinVar variation 2825251 (VCV002825251.3), dbSNP rs2505558967, ClinGen allele CA2739269789.

ClinVar aggregate classification (germline): Pathogenic (1 of 4 stars; one submission).

Conditions:
Developmental and epileptic encephalopathy 94 (DEE94). Also called: CHD2-Related Neurodevelopmental Disorders; Epileptic encephalopathy, childhood-onset. Identifiers: Orphanet 1942, Orphanet 2382, MedGen C3809278, MONDO:0014150, OMIM 615369.

Submission:

Labcorp Genetics (formerly Invitae), Labcorp
Classification: Pathogenic for Developmental and epileptic encephalopathy 94. Last evaluated: 2023-08-04. Review status: criteria provided, single submitter. Criteria: Invitae Variant Classification Sherloc (09022015). Collection method: clinical testing. Allele origin: germline.
Comment: For these reasons, this variant has been classified as Pathogenic. This variant has not been reported in the literature in individuals affected with CHD2-related conditions. This variant is not present in population databases (gnomAD no frequency). This sequence change creates a premature translational stop signal (p.Lys1053Glufs*26) in the CHD2 gene. It is expected to result in an absent or disrupted protein product. Loss-of-function variants in CHD2 are known to be pathogenic (PMID: 23708187, 24207121).

Literature cited by the submitters: PubMed 23708187; PubMed 24207121.